The following is an entry in ClinVar:

ClinVar aggregate classification (germline): Uncertain significance (1 of 4 stars; one submission).

Conditions:
Short-rib thoracic dysplasia 14 with polydactyly (SRTD14). Identifiers: Orphanet 397715, MedGen C4225286, MONDO:0014688, OMIM 616546.
Joubert syndrome 23 (JBTS23). Identifiers: Orphanet 475, MedGen C4084822, MONDO:0014664, OMIM 616490.

gnomAD v4.1: 2 of 1,613,674 alleles (0.00012%); highest among the groups gnomAD compares: South Asian, 0.0022%; no homozygotes.

Submission:

Labcorp Genetics (formerly Invitae), Labcorp
Classification: Uncertain significance for Joubert syndrome 23; Short-rib thoracic dysplasia 14 with polydactyly. Last evaluated: 2024-11-05. Review status: criteria provided, single submitter. Criteria: Invitae Variant Classification Sherloc (09022015). Collection method: clinical testing. Allele origin: germline.
Comment: This sequence change replaces alanine, which is neutral and non-polar, with glycine, which is neutral and non-polar, at codon 1179 of the KIAA0586 protein (p.Ala1179Gly). This variant is not present in population databases (gnomAD no frequency). This variant has not been reported in the literature in individuals affected with KIAA0586-related conditions. Invitae Evidence Modeling of protein sequence and biophysical properties (such as structural, functional, and spatial information, amino acid conservation, physicochemical variation, residue mobility, and thermodynamic stability) indicates that this missense variant is not expected to disrupt KIAA0586 protein function with a negative predictive value of 80%. In summary, the available evidence is currently insufficient to determine the role of this variant in disease. Therefore, it has been classified as a Variant of Uncertain Significance.

NM_001329943.3(KIAA0586):c.3377C>G (p.Ala1126Gly)

Gene: KIAA0586 (KIAA0586; plus strand). Cytogenetic location: 14q23.1.
Variant type: single nucleotide variant.
Coding change: c.3377C>G on transcript NM_001329943.3 (MANE Select); coding-DNA position 3377, C replaced by G.
Protein change: p.Ala1126Gly; replaces alanine 1126 with glycine.
Molecular consequence: missense variant.
Genome position (GRCh38, 1-based): chr14:58,487,959, C>G. VCF-style: chr14-58487959-C-G. GRCh37 (hg19) VCF-style: chr14-58954677-C-G.
Other names: c.3536C>G, p.Ala1179Gly (NM_001244189.2); c.3332C>G, p.Ala1111Gly (NM_001244190.2); c.3122C>G, p.Ala1041Gly (NM_001244191.2, NM_001329945.2, NM_001364700.1 and 1 more transcripts); c.3245C>G, p.Ala1082Gly (NM_001244192.2); c.2957C>G, p.Ala986Gly (NM_001244193.2); c.3377C>G, p.Ala1126Gly (NM_001329944.2, NM_001329946.2, NM_001329947.2); c.3149C>G, p.Ala1050Gly (NM_014749.5); short protein forms A1041G, A1050G, A1082G, A1111G, A1126G, A1179G, A986G.
Identifiers: ClinVar variation 3755333 (VCV003755333.2).
Genomic context (GRCh38, chr14:58,487,959, plus strand): 5'-CTGCCATCATGCTTGTTAATACTCCAACAGTTACCCCTACTACTACACCTCCTCCAGCGG[C>G]GGCAGTTTTTACCCCAACTTTGTCAGATATTTCCATTGATAAATTGAAGGTATCAAGCCC-3'
Protein context (NP_001316872.1, residues 1116-1136): VTPTTTPPPA[Ala1126Gly]AVFTPTLSDI